The following is an entry in ClinVar:

NM_002465.4(MYBPC1):c.3224G>C (p.Cys1075Ser)

Gene: MYBPC1 (myosin binding protein C1; plus strand). Cytogenetic location: 12q23.2.
Variant type: single nucleotide variant.
Coding change: c.3224G>C on transcript NM_002465.4 (MANE Select); coding-DNA position 3224, G replaced by C.
Protein change: p.Cys1075Ser; replaces cysteine 1075 with serine.
Molecular consequence: missense variant.
Genome position (GRCh38, 1-based): chr12:101,678,216, G>C. VCF-style: chr12-101678216-G-C. GRCh37 (hg19) VCF-style: chr12-102071994-G-C.
Other names: c.3203G>C, p.Cys1068Ser (NM_001254718.3, NM_206820.4); c.3149G>C, p.Cys1050Ser (NM_001254719.3, NM_206821.4); c.3113G>C, p.Cys1038Ser (NM_001254720.3); c.3092G>C, p.Cys1031Ser (NM_001254721.3, NM_001404676.1, NM_001404678.1); c.3071G>C, p.Cys1024Ser (NM_001254722.3, NM_001404680.1); c.3110G>C, p.Cys1037Ser (NM_001254723.3); c.3224G>C, p.Cys1075Ser (NM_001404675.1, NM_206819.4); c.3014G>C, p.Cys1005Ser (NM_001404677.1, NM_001404679.1, NM_001404681.1); short protein forms C1005S, C1024S, C1031S, C1037S, C1038S, C1050S, C1068S, C1075S.
Identifiers: ClinVar variation 4813683 (VCV004813683.1).

ClinVar aggregate classification (germline): Uncertain significance (1 of 4 stars; one submission).

Conditions:
Myopathy, congenital, with tremor. Also called: CONGENITAL MYOPATHY 16; myogenic tremor. Identifiers: MedGen C5231401, MONDO:0032797, OMIM 618524.

Submission:

Institute of Human Genetics, University of Goettingen
Classification: Uncertain significance for Myopathy, congenital, with tremor. Last evaluated: 2025-09-01. Review status: criteria provided, single submitter. Criteria: ACMG Guidelines, 2015. Collection method: clinical testing. Allele origin: germline. Inheritance: Autosomal dominant inheritance. Affected: yes.
Comment: The substitution is located in 'NM_002465.4' exon 28. The variation shows a highly conserved nucleotide (phyloP: 9.48 [-19.0, 10.9]). Cys 1075 changed by Ser. This variant is in protein domain: Immunoglobulin subtype 2, Immunoglobulin subtype, Immunoglobulin-like domain, Immunoglobulin I-set, Immunoglobulin. The variation generates a 'Missense' as coding effect. Codon TGC changed to TCC. CADD (v1.6): Phred: 27.6.

Literature cited by the submitters: PubMed 31264822.